The following is an entry in ClinVar:

ClinVar aggregate classification (germline): Pathogenic (1 of 4 stars; one submission).

Conditions:
Neurofibromatosis, type 1 (NF1). Also called: NEUROFIBROMATOSIS, TYPE I, SOMATIC; Neurofibromatosis, type I; Peripheral type neurofibromatosis; VON RECKLINGHAUSEN DISEASE. Identifiers: Orphanet 636, MedGen C0027831, MONDO:0018975, OMIM 162200. Disease mechanism: loss of function.

Submission:

Labcorp Genetics (formerly Invitae), Labcorp
Classification: Pathogenic for Neurofibromatosis, type 1. Last evaluated: 2023-09-01. Review status: criteria provided, single submitter. Criteria: Invitae Variant Classification Sherloc (09022015). Collection method: clinical testing. Allele origin: germline.
Comment: This sequence change creates a premature translational stop signal (p.Gly1160Trpfs*35) in the NF1 gene. It is expected to result in an absent or disrupted protein product. Loss-of-function variants in NF1 are known to be pathogenic (PMID: 10712197, 23913538). For these reasons, this variant has been classified as Pathogenic. This variant has not been reported in the literature in individuals affected with NF1-related conditions. This variant is not present in population databases (gnomAD no frequency).

Literature cited by the submitters: PubMed 10712197; PubMed 23913538.

NM_001042492.3(NF1):c.3477dup (p.Gly1160fs)

Gene: NF1 (neurofibromin 1; plus strand). Cytogenetic location: 17q11.2.
Variant type: Duplication.
Coding change: c.3477dup on transcript NM_001042492.3 (MANE Select); coding-DNA position 3477, one base duplicated (T; older notation c.3477dupT).
Protein change: p.Gly1160fs; shifts the reading frame from glycine 1160.
Molecular consequence: frameshift variant.
Genome position (GRCh38, 1-based): chr17:31,232,862, T duplicated. VCF-style (leftmost placement, unchanged base first): chr17-31232861-G-GT. GRCh37 (hg19) VCF-style: chr17-29559879-G-GT.
Other names: c.3477dup, p.Gly1160Trpfs (NM_000267.4); short protein forms G1160fs.
Identifiers: ClinVar variation 2992973 (VCV002992973.3), dbSNP rs2508233497, ClinGen allele CA2740095318.